The following is an entry in ClinVar:

NM_013275.6(ANKRD11):c.1622A>G (p.Gln541Arg)

Gene: ANKRD11 (ankyrin repeat domain containing 11; minus strand). Cytogenetic location: 16q24.3.
Variant type: single nucleotide variant.
Coding change: c.1622A>G on transcript NM_013275.6 (MANE Select); coding-DNA position 1622, A replaced by G.
Protein change: p.Gln541Arg; replaces glutamine 541 with arginine.
Molecular consequence: missense variant.
Genome position (GRCh38, 1-based): chr16:89,284,920, T>C on the plus strand (A>G on the coding strand, the complement: ANKRD11 is on the minus strand). VCF-style: chr16-89284920-T-C. GRCh37 (hg19) VCF-style: chr16-89351328-T-C.
Other names: c.1622A>G, p.Gln541Arg (NM_001256182.2, NM_001256183.2); short protein forms Q541R.
Identifiers: ClinVar variation 1050384 (VCV001050384.1), dbSNP rs751544677, ClinGen allele CA8242732.

ClinVar aggregate classification (germline): Uncertain significance (0 of 4 stars; one submission).

Allele frequency attached by ClinVar (database versions not stated): gnomAD exomes below 0.00001 and 0.00001; ExAC 0.00001; TOPMed 0.00001.
gnomAD v4.1: 5 of 1,614,194 alleles (0.00031%); highest among the groups gnomAD compares: South Asian, 0.0044%; no homozygotes.

Submission:

Department of Pathology and Laboratory Medicine, Sinai Health System
Classification: Uncertain significance. Review status: no assertion criteria provided. Collection method: clinical testing. Allele origin: unknown. Affected: yes. Study: The Canadian Open Genetics Repository (COGR).
Comment: The ANKRD11 p.Gln541Arg variant was not identified in the literature nor was it identified in ClinVar, Cosmic or LOVD 3.0. The variant was identified in dbSNP (ID: rs751544677) and was found in control databases in 2 of 251326 chromosomes at a frequency of 0.000008 (Genome Aggregation Database Feb 27, 2017). The variant was observed in the South Asian population in 2 of 30616 chromosomes (freq: 0.000065), while the variant was not observed in the African, Latino, Ashkenazi Jewish, East Asian, European (Finnish), European (non-Finnish) and Other populations. The variant occurs outside of the splicing consensus sequence and in silico or computational prediction software programs (SpliceSiteFinder, MaxEntScan, NNSPLICE, GeneSplicer) do not predict a difference in splicing. The p.Gln541 residue is not conserved in mammals and computational analyses (PolyPhen-2, SIFT, AlignGVGD, BLOSUM, MutationTaster) provide inconsistent predictions regarding the impact to the protein; this information is not very predictive of pathogenicity. In summary, based on the above information the clinical significance of this variant cannot be determined with certainty at this time. This variant is classified as a variant of uncertain significance.